The following is an entry in ClinVar:

NM_000038.6(APC):c.4534dup (p.Asp1512fs)

Gene: APC (APC regulator of Wnt signaling pathway; plus strand). Cytogenetic location: 5q22.2.
Variant type: Duplication.
Coding change: c.4534dup on transcript NM_000038.6 (MANE Select); coding-DNA position 4534, one base duplicated (G; older notation c.4534dupG).
Protein change: p.Asp1512fs; shifts the reading frame from aspartic acid 1512.
Molecular consequence: frameshift variant.
Genome position (GRCh38, 1-based): chr5:112,840,128, G duplicated. VCF-style (leftmost placement, unchanged base first): chr5-112840127-C-CG. GRCh37 (hg19) VCF-style: chr5-112175824-C-CG.
Other names: c.4534dup, p.Asp1512fs (NM_001127510.3, NM_001354895.2); c.4480dup, p.Asp1494fs (NM_001127511.3); c.4588dup, p.Asp1530fs (NM_001354896.2); c.4564dup, p.Asp1522fs (NM_001354897.2); c.4459dup, p.Asp1487fs (NM_001354898.2); c.4450dup, p.Asp1484fs (NM_001354899.2); c.4411dup, p.Asp1471fs (NM_001354900.2); c.4357dup, p.Asp1453fs (NM_001354901.2); and 5 more; short protein forms D1229fs, D1471fs, D1487fs, D1352fs, D1421fs, D1484fs, D1512fs, D1411fs.
Identifiers: ClinVar variation 1414323 (VCV001414323.6), dbSNP rs2149916990, ClinGen allele CA2573138708.

ClinVar aggregate classification (germline): Pathogenic (1 of 4 stars; one submission).

Conditions:
Familial adenomatous polyposis 1 (FAP1). Also called: POLYPOSIS, ADENOMATOUS INTESTINAL; FAMILIAL ADENOMATOUS POLYPOSIS 1, ATTENUATED. Identifiers: MedGen C2713442, MONDO:0021056, OMIM 175100. Disease mechanism: loss of function.

Submission:

Labcorp Genetics (formerly Invitae), Labcorp
Classification: Pathogenic for Familial adenomatous polyposis 1. Last evaluated: 2022-10-27. Review status: criteria provided, single submitter. Criteria: Invitae Variant Classification Sherloc (09022015). Collection method: clinical testing. Allele origin: germline.
Comment: ClinVar contains an entry for this variant (Variation ID: 1414323). This sequence change creates a premature translational stop signal (p.Asp1512Glyfs*2) in the APC gene. While this is not anticipated to result in nonsense mediated decay, it is expected to disrupt the last 1332 amino acid(s) of the APC protein. This variant is not present in population databases (gnomAD no frequency). This variant has not been reported in the literature in individuals affected with APC-related conditions. This variant is expected to disrupt the EB1 and HDLG binding sites, which mediate interactions with the cytoskeleton (PMID: 15311282, 17293347). While functional studies have not been performed to directly test the effect on APC protein function, this suggests that disruption of the C-terminal portion of the protein is functionally important. A different truncation (p.Tyr2645Lysfs*14) that lies downstream of this variant has been determined to be pathogenic (PMID: 9824584, 1316610, 27081525, 8381579, 22135120, Invitae). This suggests that deletion of this region of the APC protein is causative of disease. For these reasons, this variant has been classified as Pathogenic.

Literature cited by the submitters: PubMed 15311282; PubMed 17293347; PubMed 9824584; PubMed 1316610; PubMed 27081525; PubMed 8381579; PubMed 22135120.